The following is an entry in ClinVar:

ClinVar aggregate classification (germline): Uncertain significance (1 of 4 stars; one submission).

Submission:

Labcorp Genetics (formerly Invitae), Labcorp
Classification: Uncertain significance. Last evaluated: 2025-02-26. Review status: criteria provided, single submitter. Criteria: Invitae Variant Classification Sherloc (09022015). Collection method: clinical testing. Allele origin: germline.
Comment: This sequence change replaces asparagine, which is neutral and polar, with threonine, which is neutral and polar, at codon 3 of the CLCN7 protein (p.Asn3Thr). This variant is not present in population databases (gnomAD no frequency). This variant has not been reported in the literature in individuals affected with CLCN7-related conditions. Invitae Evidence Modeling of protein sequence and biophysical properties (such as structural, functional, and spatial information, amino acid conservation, physicochemical variation, residue mobility, and thermodynamic stability) indicates that this missense variant is not expected to disrupt CLCN7 protein function with a negative predictive value of 95%. In summary, the available evidence is currently insufficient to determine the role of this variant in disease. Therefore, it has been classified as a Variant of Uncertain Significance.

NM_001287.6(CLCN7):c.8A>C (p.Asn3Thr)

Genes: CLCN7 (Cl-/H+ antiporter 7; minus strand), LOC130058166 (ATAC-STARR-seq lymphoblastoid silent region 6986; plus strand). Cytogenetic location: 16p13.3.
Variant type: single nucleotide variant.
Coding change: c.8A>C on transcript NM_001287.6 (MANE Select); coding-DNA position 8, A replaced by C.
Protein change: p.Asn3Thr; replaces asparagine 3 with threonine.
Molecular consequence: missense variant.
Genome position (GRCh38, 1-based): chr16:1,474,967, T>G on the plus strand (A>C on the coding strand, the complement: CLCN7 is on the minus strand). VCF-style: chr16-1474967-T-G. GRCh37 (hg19) VCF-style: chr16-1524968-T-G.
Other names: c.8A>C, p.Asn3Thr (NM_001114331.3); short protein forms N3T.
Identifiers: ClinVar variation 4802823 (VCV004802823.1).
Genomic context (GRCh38, chr16:1,474,967, plus strand): 5'-AGCGGCGCCGCCTCCTCGTCGTCCCGGTCCCGGCCGGACCAGGACACCTTCTTAGAGACG[T>G]TGGCCATGGCCCGCCGCGGAGCGACACCGGCCGGGAAGCGCCGGCTGCCCCCGTGTTTGT-3'
Protein context (NP_001278.1, residues 1-13): MA[Asn3Thr]VSKKVSWSGR